The following is an entry in ClinVar:

NM_001845.6(COL4A1):c.3634A>G (p.Met1212Val)

Gene: COL4A1 (collagen type IV alpha 1 chain; minus strand). Cytogenetic location: 13q34.
Variant type: single nucleotide variant.
Coding change: c.3634A>G on transcript NM_001845.6 (MANE Select); coding-DNA position 3634, A replaced by G.
Protein change: p.Met1212Val; replaces methionine 1212 with valine.
Molecular consequence: missense variant.
Genome position (GRCh38, 1-based): chr13:110,170,655, T>C on the plus strand (A>G on the coding strand, the complement: COL4A1 is on the minus strand). VCF-style: chr13-110170655-T-C. GRCh37 (hg19) VCF-style: chr13-110823002-T-C.
Other names: short protein forms M1212V.
Identifiers: ClinVar variation 4774914 (VCV004774914.1).
Genomic context (GRCh38, chr13:110,170,655, plus strand): 5'-CCGTGGCATGGCCTGGGGATCCCGGTAACCCCGGCTGTCCCTGGGGCCCCGGAGGACCCA[T>C]GAATCCTTGCTCTCCTTTGGATCCAGGAATTCCTGGGCTCCCGGCTAATCCTGGGAAACC-3'
Protein context (NP_001836.3, residues 1202-1222): IPGSKGEQGF[Met1212Val]GPPGPQGQPG

ClinVar aggregate classification (germline): Uncertain significance (1 of 4 stars; one submission).

Submission:

Labcorp Genetics (formerly Invitae), Labcorp
Classification: Uncertain significance. Last evaluated: 2025-02-02. Review status: criteria provided, single submitter. Criteria: Invitae Variant Classification Sherloc (09022015). Collection method: clinical testing. Allele origin: germline.
Comment: This sequence change replaces methionine, which is neutral and non-polar, with valine, which is neutral and non-polar, at codon 1212 of the COL4A1 protein (p.Met1212Val). This variant is not present in population databases (gnomAD no frequency). This variant has not been reported in the literature in individuals affected with COL4A1-related conditions. Invitae Evidence Modeling of protein sequence and biophysical properties (such as structural, functional, and spatial information, amino acid conservation, physicochemical variation, residue mobility, and thermodynamic stability) indicates that this missense variant is not expected to disrupt COL4A1 protein function with a negative predictive value of 95%. In summary, the available evidence is currently insufficient to determine the role of this variant in disease. Therefore, it has been classified as a Variant of Uncertain Significance.